The following is an entry in ClinVar:

ClinVar aggregate classification (germline): Benign/Likely benign. Review status: criteria provided, multiple submitters, no conflicts (2 of 4 stars). 11 submissions from 11 submitters: Benign (4); Likely benign (3). 4 of the submissions do not count toward it. Last evaluated 2025-10-09.

Conditions:
F12-related disorder. Also called: F12-related disorders; F12-related condition. Identifiers: MedGen CN239389.
Factor XII deficiency disease. Also called: Reduced factor XII activity; Congenital factor XII deficiency; F12 DEFICIENCY; HAF DEFICIENCY. Identifiers: Orphanet 330, MedGen C0015526, MONDO:0009315, OMIM 234000, HP:0004841.

Allele frequency attached by ClinVar (database versions not stated): gnomAD 0.00115 and 0.00148; TOPMed 0.00130; gnomAD exomes 0.00143 and 0.00315; ExAC 0.00343; 1000 Genomes Project 30x 0.00406; 1000 Genomes Project 0.00419.
gnomAD v4.1: 2,314 of 1,602,464 alleles (0.14%); highest among the groups gnomAD compares: East Asian, 4.1%; 37 homozygotes.

Submissions (11):

Labcorp Genetics (formerly Invitae), Labcorp
Classification: Likely benign. Last evaluated: 2025-10-09. Review status: criteria provided, single submitter. Criteria: Invitae Variant Classification Sherloc (09022015). Collection method: clinical testing. Allele origin: germline.

Mayo Clinic Laboratories, Mayo Clinic
Classification: Benign. Last evaluated: 2025-09-15. Review status: criteria provided, single submitter. Criteria: ACMG Guidelines, 2015. Collection method: clinical testing. Allele origin: germline. Observed: 1 variant allele.
Comment: BS1, BS2, BP4, PM6

Laboratory for Molecular Medicine, Mass General Brigham Personalized Medicine
Classification: Likely benign. Last evaluated: 2024-03-29. Review status: criteria provided, single submitter. Criteria: ACMG Guidelines, 2015. Collection method: clinical testing. Allele origin: germline.
Comment: The p.Ala343Pro variant in F12 is classified as likely benign because it has been identified in 4.1% (1857/44756) of East Asian chromosomes by gnomAD (v.4.0.0). ACMG/AMP Criteria applied: BS1.

CeGaT Center for Human Genetics Tuebingen
Classification: Benign. Last evaluated: 2023-02-01. Review status: criteria provided, single submitter. Criteria: CeGaT Center For Human Genetics Tuebingen Variant Classification Criteria Version 2. Collection method: clinical testing. Allele origin: germline. Affected: yes. Observed: 1 variant allele.
Comment: F12: BP4, BS1, BS2

Department of Pathology and Laboratory Medicine, Sinai Health System
Classification: Benign for Factor XII deficiency disease. Last evaluated: 2022-10-29. Review status: criteria provided, single submitter. Criteria: ACMG Guidelines, 2015. Collection method: research. Allele origin: germline.

Mendelics
Classification: Benign for Factor XII deficiency disease. Last evaluated: 2019-05-28. Review status: criteria provided, single submitter. Criteria: Mendelics Assertion Criteria 2017. Collection method: clinical testing. Allele origin: unknown.

Illumina Laboratory Services, Illumina
Classification: Likely benign for Factor XII deficiency disease. Last evaluated: 2017-04-27. Review status: criteria provided, single submitter. Criteria: ICSL Variant Classification Criteria 13 December 2019. Collection method: clinical testing. Allele origin: germline.
Comment: This variant was observed as part of a predisposition screen in an ostensibly healthy population. A literature search was performed for the gene, cDNA change, and amino acid change (where applicable). Publications were found based on this search. The evidence from the literature, in combination with allele frequency data from public databases where available, was sufficient to determine this variant is unlikely to cause disease. Therefore, this variant is classified as likely benign.

PreventionGenetics, part of Exact Sciences
Classification: Benign for F12-related condition. Last evaluated: 2024-09-05. Review status: no assertion criteria provided. Collection method: clinical testing. Allele origin: germline. Not counted in ClinVar's aggregate classification.
Comment: This variant is classified as benign based on ACMG/AMP sequence variant interpretation guidelines (Richards et al. 2015 PMID: 25741868, with internal and published modifications).

Clinical Genetics DNA and cytogenetics Diagnostics Lab, Erasmus MC, Erasmus Medical Center
Classification: Likely benign. Review status: no assertion criteria provided. Collection method: clinical testing. Allele origin: germline. Affected: yes. Study: VKGL Data-share Consensus. Not counted in ClinVar's aggregate classification.

Diagnostic Laboratory, Department of Genetics, University Medical Center Groningen
Classification: Likely benign. Review status: no assertion criteria provided. Collection method: clinical testing. Allele origin: germline. Affected: yes. Study: VKGL Data-share Consensus. Not counted in ClinVar's aggregate classification.

Soonchunhyang University Bucheon Hospital, Soonchunhyang University Medical Center
Classification: Likely pathogenic for Factor XII deficiency disease. Last evaluated: 2016-03-18. Review status: flagged submission. Criteria: ACMG Guidelines, 2015. Collection method: reference population. Allele origin: germline. Observed: 4 variant alleles. Not counted in ClinVar's aggregate classification.
ClinVar note: Reason: Outlier claim with insufficient supporting evidence

Literature cited by the submitters: PubMed 21264442 (cited by 3 submitters); PubMed 25524745 (cited by Mayo Clinic Laboratories, Mayo Clinic); PubMed 29587641 (cited by Mayo Clinic Laboratories, Mayo Clinic); PubMed 37307703 (cited by Mayo Clinic Laboratories, Mayo Clinic).

NM_000505.4(F12):c.1027G>C (p.Ala343Pro)

Gene: F12 (coagulation factor XII; minus strand). Cytogenetic location: 5q35.3.
Variant type: single nucleotide variant.
Coding change: c.1027G>C on transcript NM_000505.4 (MANE Select); coding-DNA position 1027, G replaced by C.
Protein change: p.Ala343Pro; replaces alanine 343 with proline.
Molecular consequence: missense variant.
Genome position (GRCh38, 1-based): chr5:177,404,082, C>G on the plus strand (G>C on the coding strand, the complement: F12 is on the minus strand). VCF-style: chr5-177404082-C-G. GRCh37 (hg19) VCF-style: chr5-176831083-C-G.
Other names: p.Ala343Pro; short protein forms A343P.
Identifiers: ClinVar variation 225352 (VCV000225352.48), dbSNP rs183643295, ClinGen allele CA3581278.